The following is an entry in ClinVar:

NM_006651.4(CPLX1):c.198C>A (p.Ile66=)

Genes: CPLX1 (complexin 1; minus strand), CPLX1-AS1 (CPLX1 antisense RNA 1; plus strand). Cytogenetic location: 4p16.3.
Variant type: single nucleotide variant.
Coding change: c.198C>A on transcript NM_006651.4 (MANE Select); coding-DNA position 198, C replaced by A.
Protein change: p.Ile66=; no amino-acid change (isoleucine 66 retained).
Molecular consequence: synonymous variant.
Genome position (GRCh38, 1-based): chr4:792,442, G>T on the plus strand (C>A on the coding strand, the complement: CPLX1 is on the minus strand). VCF-style: chr4-792442-G-T. GRCh37 (hg19) VCF-style: chr4-786230-G-T.
Other names: c.198C>A (NM_006651.3).
Identifiers: ClinVar variation 1335555 (VCV001335555.38), dbSNP rs376378419, ClinGen allele CA2796967.

ClinVar aggregate classification (germline): Benign/Likely benign. Review status: criteria provided, multiple submitters, no conflicts (2 of 4 stars). 3 submissions from 3 submitters: Benign (1); Likely benign (1). 1 of the submissions does not count toward it. Last evaluated 2024-12-05.

Conditions:
CPLX1-related disorder. Also called: CPLX1-related condition.

Allele frequency attached by ClinVar (database versions not stated): gnomAD exomes 0.00018 and 0.00041; gnomAD 0.00019; TOPMed 0.00021; ESP Exome Variant Server 0.00031; ExAC 0.00069.
gnomAD v4.1: 310 of 1,588,644 alleles (0.02%); highest among the groups gnomAD compares: Non-Finnish European, 0.0036%; 1 homozygote.

Submissions (3):

Labcorp Genetics (formerly Invitae), Labcorp
Classification: Benign. Last evaluated: 2024-12-05. Review status: criteria provided, single submitter. Criteria: Invitae Variant Classification Sherloc (09022015). Collection method: clinical testing. Allele origin: germline.

CeGaT Center for Human Genetics Tuebingen
Classification: Likely benign. Last evaluated: 2021-12-01. Review status: criteria provided, single submitter. Criteria: CeGaT Center For Human Genetics Tuebingen Variant Classification Criteria Version 2. Collection method: clinical testing. Allele origin: germline. Affected: yes. Observed: 1 variant allele.

PreventionGenetics, part of Exact Sciences
Classification: Benign for CPLX1-related condition. Last evaluated: 2019-11-16. Review status: no assertion criteria provided. Collection method: clinical testing. Allele origin: germline. Not counted in ClinVar's aggregate classification.
Comment: This variant is classified as benign based on ACMG/AMP sequence variant interpretation guidelines (Richards et al. 2015 PMID: 25741868, with internal and published modifications).